The following is an entry in ClinVar:

ClinVar aggregate classification (germline): Uncertain significance (1 of 4 stars; one submission).

gnomAD v4.1: 5 of 1,605,760 alleles (0.00031%); highest among the groups gnomAD compares: Admixed American, 0.0086%; no homozygotes.

Submission:

Labcorp Genetics (formerly Invitae), Labcorp
Classification: Uncertain significance. Last evaluated: 2025-10-13. Review status: criteria provided, single submitter. Criteria: Invitae Variant Classification Sherloc (09022015). Collection method: clinical testing. Allele origin: germline.
Comment: This sequence change replaces methionine, which is neutral and non-polar, with leucine, which is neutral and non-polar, at codon 81 of the UQCC3 protein (p.Met81Leu). This variant is present in population databases (rs766387103, gnomAD 0.01%). This variant has not been reported in the literature in individuals affected with UQCC3-related conditions. ClinVar contains an entry for this variant (Variation ID: 3714332). An algorithm developed to predict the effect of missense changes on protein structure and function outputs the following: PolyPhen-2: "Benign". The leucine amino acid residue is found in multiple mammalian species, which suggests that this missense change does not adversely affect protein function. In summary, the available evidence is currently insufficient to determine the role of this variant in disease. Therefore, it has been classified as a Variant of Uncertain Significance.

NM_001085372.3(UQCC3):c.241A>C (p.Met81Leu)

Genes: LBHD1 (LBH domain containing 1; minus strand), UQCC3 (ubiquinol-cytochrome c reductase complex assembly factor 3; plus strand). Cytogenetic location: 11q12.3.
Variant type: single nucleotide variant.
Coding change: c.241A>C on transcript NM_001085372.3 (MANE Select); coding-DNA position 241, A replaced by C.
Protein change: p.Met81Leu; replaces methionine 81 with leucine.
Molecular consequence: missense variant. On other transcripts: 5 prime UTR variant (12).
Genome position (GRCh38, 1-based): chr11:62,672,073, A>C. VCF-style: chr11-62672073-A-C. GRCh37 (hg19) VCF-style: chr11-62439545-A-C.
Other names: c.-520T>G (NM_001367940.2, NM_024099.5); c.-1037T>G (NM_001367941.2); c.-326T>G (NM_001394596.1, NM_001394599.1, NM_001394601.1 and 1 more transcripts); c.-568T>G (NM_001394604.1, NM_001394607.1); c.-713T>G (NM_001394609.1); c.-644T>G (NM_001394611.1); c.-968T>G (NM_001394612.1); short protein forms M81L.
Identifiers: ClinVar variation 3714332 (VCV003714332.2).